The following is an entry in ClinVar:

NM_015046.7(SETX):c.4412C>T (p.Thr1471Ile)

Gene: SETX (senataxin; minus strand). Cytogenetic location: 9q34.13.
Variant type: single nucleotide variant.
Coding change: c.4412C>T on transcript NM_015046.7 (MANE Select); coding-DNA position 4412, C replaced by T.
Protein change: p.Thr1471Ile; replaces threonine 1471 with isoleucine.
Molecular consequence: missense variant.
Genome position (GRCh38, 1-based): chr9:132,327,186, G>A on the plus strand (C>T on the coding strand, the complement: SETX is on the minus strand). VCF-style: chr9-132327186-G-A. GRCh37 (hg19) VCF-style: chr9-135202573-G-A.
Other names: p.Thr1471Ile; c.4412C>T, p.Thr1471Ile (NM_001351527.2, NM_001351528.2); short protein forms T1471I.
Identifiers: ClinVar variation 2930875 (VCV002930875.7), dbSNP rs533403902, ClinGen allele CA375326323.
Genomic context (GRCh38, chr9:132,327,186, plus strand): 5'-GCATCACTGCTGGAGTCAGGCTCTCCTTCTTTCAAAGCTGCCATCTCTATATGACGTGCT[G>A]TTGGATCACCTCCACCCAGAGGGTCTTCTGAAGTGGAGACAATTACTTCATTTGTTGGTA-3'
Protein context (NP_055861.3, residues 1461-1481): SEDPLGGGDP[Thr1471Ile]ARHIEMAALK

ClinVar aggregate classification (germline): Conflicting classifications of pathogenicity. Review status: criteria provided, conflicting classifications (1 of 4 stars). 4 submissions from 4 submitters: Uncertain significance (3); Likely benign (1). Last evaluated 2026-07-01.

Conditions:
Amyotrophic lateral sclerosis type 4 (ALS4). Also called: AMYOTROPHIC LATERAL SCLEROSIS 4, JUVENILE; NEURONOPATHY, DISTAL HEREDITARY MOTOR, WITH PYRAMIDAL FEATURES. Identifiers: Orphanet 357043, MedGen C1865409, MONDO:0011223, OMIM 602433.
Spinocerebellar ataxia, autosomal recessive, with axonal neuropathy 2 (SCAN2). Also called: ATAXIA-OCULOMOTOR APRAXIA 2; Ataxia-ocular apraxia-2; Ataxia with Oculomotor Apraxia; Ataxia with Oculomotor Apraxia Type 2. Identifiers: Orphanet 64753, MedGen C1853761, MONDO:0018996, OMIM 606002.

gnomAD v4.1: 4 of 1,614,076 alleles (0.00025%); highest among the groups gnomAD compares: African/African-American, 0.0013%; no homozygotes.

Submissions (4):

CeGaT Center for Human Genetics Tuebingen
Classification: Uncertain significance. Last evaluated: 2026-07-01. Review status: criteria provided, single submitter. Criteria: CeGaT Center For Human Genetics Tuebingen Variant Classification Criteria Version 2. Collection method: clinical testing. Allele origin: germline. Affected: yes. Observed: 1 variant allele.

GeneDx
Classification: Uncertain significance. Last evaluated: 2025-01-15. Review status: criteria provided, single submitter. Criteria: GeneDx Variant Classification Process June 2021. Collection method: clinical testing. Allele origin: germline.
Comment: Reported previously in a cohort of patients with definite or probable ALS; however, no case specific information was provided (PMID: 37952009); Not observed at significant frequency in large population cohorts (gnomAD); In silico analysis indicates that this missense variant does not alter protein structure/function; This variant is associated with the following publications: (PMID: 37952009)

Labcorp Genetics (formerly Invitae), Labcorp
Classification: Likely benign for Amyotrophic lateral sclerosis type 4; Spinocerebellar ataxia, autosomal recessive, with axonal neuropathy 2. Last evaluated: 2023-11-15. Review status: criteria provided, single submitter. Criteria: Invitae Variant Classification Sherloc (09022015). Collection method: clinical testing. Allele origin: germline.

Mayo Clinic Laboratories, Mayo Clinic
Classification: Uncertain significance. Last evaluated: 2023-09-13. Review status: criteria provided, single submitter. Criteria: ACMG Guidelines, 2015. Collection method: clinical testing. Allele origin: germline. Observed: 1 variant allele.
Comment: BP4